The following is an entry in ClinVar:

ClinVar aggregate classification (germline): Likely pathogenic (1 of 4 stars; one submission).

Conditions:
Dyskeratosis congenita, autosomal recessive 5 (DKCB5). Identifiers: MedGen C3554656, MONDO:0014076, OMIM 615190.
Pulmonary fibrosis and/or bone marrow failure, Telomere-related, 3. Also called: PULMONARY FIBROSIS AND/OR BONE MARROW FAILURE SYNDROME, TELOMERE-RELATED, 3. Identifiers: Orphanet 2032, MedGen C4225346, MONDO:0014613, OMIM 616373.

Submission:

Labcorp Genetics (formerly Invitae), Labcorp
Classification: Likely pathogenic for Dyskeratosis congenita, autosomal recessive 5; Pulmonary fibrosis and/or bone marrow failure, Telomere-related, 3. Last evaluated: 2023-09-04. Review status: criteria provided, single submitter. Criteria: Invitae Variant Classification Sherloc (09022015). Collection method: clinical testing. Allele origin: germline.
Comment: This sequence change affects a donor splice site in intron 26 of the RTEL1 gene. It is expected to disrupt RNA splicing. Variants that disrupt the donor or acceptor splice site typically lead to a loss of protein function (PMID: 16199547), and loss-of-function variants in RTEL1 are known to be pathogenic (PMID: 23453664, 23959892, 25607374). This variant is not present in population databases (gnomAD no frequency). Disruption of this splice site has been observed in individual(s) with familial interstitial pneumonia (PMID: 25607374). Algorithms developed to predict the effect of sequence changes on RNA splicing suggest that this variant may disrupt the consensus splice site. In summary, the currently available evidence indicates that the variant is pathogenic, but additional data are needed to prove that conclusively. Therefore, this variant has been classified as Likely Pathogenic.

Literature cited by the submitters: PubMed 16199547; PubMed 23453664; PubMed 23959892; PubMed 25607374.

NM_001283009.2(RTEL1):c.2413+1G>T

Genes: RTEL1 (regulator of telomere elongation helicase 1; plus strand), RTEL1-TNFRSF6B (RTEL1-TNFRSF6B readthrough (NMD candidate); plus strand). Cytogenetic location: 20q13.33.
Variant type: single nucleotide variant.
Coding change: c.2413+1G>T on transcript NM_001283009.2 (MANE Select); the canonical splice donor site of the intron after coding-DNA position 2413, G replaced by T.
Molecular consequence: splice donor variant.
Genome position (GRCh38, 1-based): chr20:63,690,442, G>T. VCF-style: chr20-63690442-G-T. GRCh37 (hg19) VCF-style: chr20-62321795-G-T.
Other names: c.1744+1G>T (NM_001283010.1); c.2485+1G>T (NM_032957.5); c.2413+1G>T (NM_016434.4).
Identifiers: ClinVar variation 2951618 (VCV002951618.3), dbSNP rs776744306, ClinGen allele CA409681274.